The following is an entry in ClinVar:

ClinVar aggregate classification (germline): Uncertain significance. Review status: criteria provided, multiple submitters, no conflicts (2 of 4 stars). 2 submissions from 2 submitters: Uncertain significance (2). Last evaluated 2022-04-20.

Conditions:
Autosomal recessive inherited pseudoxanthoma elasticum (PXE). Identifiers: Orphanet 758, MedGen CN032334, MONDO:0009925, OMIM 264800.
Pseudoxanthoma elasticum, forme fruste. Also called: Pseudoxanthoma Elasticum, Incomplete; PSEUDOXANTHOMA ELASTICUM, HETEROZYGOUS. Identifiers: Orphanet 758, MedGen C1867450, MONDO:0008333, OMIM 177850.
Arterial calcification, generalized, of infancy, 2. Identifiers: Orphanet 51608, MedGen C3276161, MONDO:0013768, OMIM 614473.

Allele frequency attached by ClinVar (database versions not stated): TOPMed 0.00003.

Submissions (2):

Fulgent Genetics
Classification: Uncertain significance for Pseudoxanthoma elasticum, forme fruste; Autosomal recessive inherited pseudoxanthoma elasticum; Arterial calcification, generalized, of infancy, 2. Last evaluated: 2022-04-20. Review status: criteria provided, single submitter. Criteria: ACMG Guidelines, 2015. Collection method: clinical testing. Allele origin: unknown.

Labcorp Genetics (formerly Invitae), Labcorp
Classification: Uncertain significance. Last evaluated: 2020-12-23. Review status: criteria provided, single submitter. Criteria: Invitae Variant Classification Sherloc (09022015). Collection method: clinical testing. Allele origin: germline.
Comment: In summary, the available evidence is currently insufficient to determine the role of this variant in disease. Therefore, it has been classified as a Variant of Uncertain Significance. Advanced modeling of protein sequence and biophysical properties (such as structural, functional, and spatial information, amino acid conservation, physicochemical variation, residue mobility, and thermodynamic stability) performed at Invitae indicates that this missense variant is expected to disrupt ABCC6 protein function. This variant has not been reported in the literature in individuals with ABCC6-related conditions. This variant is not present in population databases (ExAC no frequency). This sequence change replaces serine with asparagine at codon 1229 of the ABCC6 protein (p.Ser1229Asn). The serine residue is weakly conserved and there is a small physicochemical difference between serine and asparagine.

NM_001171.6(ABCC6):c.3686G>A (p.Ser1229Asn)

Gene: ABCC6 (ATP binding cassette subfamily C member 6; minus strand). Cytogenetic location: 16p13.11.
Variant type: single nucleotide variant.
Coding change: c.3686G>A on transcript NM_001171.6 (MANE Select); coding-DNA position 3686, G replaced by A.
Protein change: p.Ser1229Asn; replaces serine 1229 with asparagine.
Molecular consequence: missense variant. On other transcripts: non-coding transcript variant (1).
Genome position (GRCh38, 1-based): chr16:16,159,531, C>T on the plus strand (G>A on the coding strand, the complement: ABCC6 is on the minus strand). VCF-style: chr16-16159531-C-T. GRCh37 (hg19) VCF-style: chr16-16253388-C-T.
Other names: c.3344G>A, p.Ser1115Asn (NM_001351800.1); short protein forms S1115N, S1229N.
Identifiers: ClinVar variation 1348231 (VCV001348231.9), dbSNP rs940876455, ClinGen allele CA278628782.
Genomic context (GRCh38, chr16:16,159,531, plus strand): 5'-CCGCCCATCACCTCCTTGGGCGTCCAGGCATAGTCCTGCATCCGCTCCACTGACACGATG[C>T]TGTTCTCTAGGTCTGTCCAGTTGCGAACAACCCACTGCAGTGTCTGGGTCACCTGGTGCA-3'
Protein context (NP_001162.5, residues 1219-1239): VVRNWTDLEN[Ser1229Asn]IVSVERMQDY